The following is an entry in ClinVar:

NM_004260.4(RECQL4):c.3393+7G>A

Gene: RECQL4 (RecQ like helicase 4; minus strand). Cytogenetic location: 8q24.3.
Variant type: single nucleotide variant.
Coding change: c.3393+7G>A on transcript NM_004260.4 (MANE Select); 7 bases into the intron after coding-DNA position 3393, G replaced by A.
Molecular consequence: intron variant. On other transcripts: missense variant (1).
Genome position (GRCh38, 1-based): chr8:144,511,904, C>T on the plus strand (G>A on the coding strand, the complement: RECQL4 is on the minus strand). VCF-style: chr8-144511904-C-T. GRCh37 (hg19) VCF-style: chr8-145737287-C-T.
Other names: c.3400G>A, p.Ala1134Thr (NM_001413036.1); c.3264+7G>A (NM_001413025.1); c.3042+7G>A (NM_001413029.1); c.2256+7G>A (NM_001413032.1, NM_001413027.1, NM_001413030.1); c.2322+7G>A (NM_001413035.1, NM_001413040.1, NM_001413021.1 and 4 more transcripts); c.3099+7G>A (NM_001413017.1); c.3297+7G>A (NM_001413020.1); c.3363+7G>A (NM_001413039.1); and 9 more; short protein forms A1134T.
Identifiers: ClinVar variation 3377800 (VCV003377800.1).

ClinVar aggregate classification (germline): Uncertain significance (1 of 4 stars; one submission).

Conditions:
Rothmund-Thomson syndrome type 2 (RTS2). Identifiers: Orphanet 221016, MedGen C5203410, MONDO:0016369, OMIM 268400.

gnomAD v4.1: 6 of 1,610,402 alleles (0.00037%); highest among the groups gnomAD compares: Admixed American, 0.0017%; no homozygotes.

Submission:

St. Jude Molecular Pathology, St. Jude Children's Research Hospital
Classification: Uncertain significance for Rothmund-Thomson syndrome type 2. Last evaluated: 2024-01-08. Review status: criteria provided, single submitter. Criteria: St. Jude Assertion Criteria 2020. Collection method: clinical testing. Allele origin: germline.
Comment: The RECQL4 c.3393+7G>A intronic change results in a G to A substitution at the +7 position of intron 19 of the RECQL4 gene. Algorithms that predict the impact of sequence changes on splicing indicate that this change may impact splicing, but these predictions have not been confirmed by RNA studies. This variant has a maximum subpopulation frequency of 0.006% in gnomAD v2.1.1. This variant has not been reported in individuals with RECQL4-associated conditions. In summary, the evidence currently available is insufficient to determine the clinical significance of this variant. It has therefore been classified as of uncertain significance.